The following is an entry in ClinVar:

NM_015136.3(STAB1):c.527G>A (p.Arg176His)

Gene: STAB1 (stabilin 1; plus strand). Cytogenetic location: 3p21.1.
Variant type: single nucleotide variant.
Coding change: c.527G>A on transcript NM_015136.3 (MANE Select); coding-DNA position 527, G replaced by A.
Protein change: p.Arg176His; replaces arginine 176 with histidine.
Molecular consequence: missense variant.
Genome position (GRCh38, 1-based): chr3:52,502,671, G>A. VCF-style: chr3-52502671-G-A. GRCh37 (hg19) VCF-style: chr3-52536687-G-A.
Other names: c.527G>A (NM_015136.2); short protein forms R176H.
Identifiers: ClinVar variation 2653889 (VCV002653889.24), dbSNP rs529063889, ClinGen allele CA2440204.

ClinVar aggregate classification (germline): Uncertain significance. Review status: criteria provided, multiple submitters, no conflicts (2 of 4 stars). 2 submissions from 2 submitters: Uncertain significance (2). Last evaluated 2025-10-03.

Allele frequency attached by ClinVar (database versions not stated): TOPMed 0.00008.
gnomAD v4.1: 40 of 1,613,698 alleles (0.0025%); highest among the groups gnomAD compares: Admixed American, 0.0083%; no homozygotes.

Submissions (2):

Ambry Genetics
Classification: Uncertain significance. Last evaluated: 2025-10-03. Review status: criteria provided, single submitter. Criteria: Ambry Variant Classification Scheme 2023. Collection method: clinical testing. Allele origin: germline.

CeGaT Center for Human Genetics Tuebingen
Classification: Uncertain significance. Last evaluated: 2022-12-01. Review status: criteria provided, single submitter. Criteria: CeGaT Center For Human Genetics Tuebingen Variant Classification Criteria Version 2. Collection method: clinical testing. Allele origin: germline. Affected: yes. Observed: 1 variant allele.
Comment: STAB1: PM2, BP4